The following is an entry in ClinVar:

ClinVar aggregate classification (germline): Uncertain significance (1 of 4 stars; one submission).

Conditions:
Ehlers-Danlos syndrome, classic type, 1 (EDSCL1). Also called: EHLERS-DANLOS SYNDROME, GRAVIS TYPE; EHLERS-DANLOS SYNDROME, SEVERE CLASSIC TYPE; Ehlers-Danlos syndrome, type 1; Ehlers-Danlos Syndrome, Classic Type, COL5A1-Related; EDS I. Identifiers: MedGen C0268335, MONDO:0019567, OMIM 130000.

Submission:

Labcorp Genetics (formerly Invitae), Labcorp
Classification: Uncertain significance for Ehlers-Danlos syndrome, classic type, 1. Last evaluated: 2025-08-19. Review status: criteria provided, single submitter. Criteria: Invitae Variant Classification Sherloc (09022015). Collection method: clinical testing. Allele origin: germline.
Comment: This sequence change replaces glycine, which is neutral and non-polar, with alanine, which is neutral and non-polar, at codon 1084 of the COL5A1 protein (p.Gly1084Ala). This variant is not present in population databases (gnomAD no frequency). This variant has not been reported in the literature in individuals affected with COL5A1-related conditions. Invitae Evidence Modeling of protein sequence and biophysical properties (such as structural, functional, and spatial information, amino acid conservation, physicochemical variation, residue mobility, and thermodynamic stability) indicates that this missense variant is expected to disrupt COL5A1 protein function with a positive predictive value of 95%. In summary, the available evidence is currently insufficient to determine the role of this variant in disease. Therefore, it has been classified as a Variant of Uncertain Significance.

NM_000093.5(COL5A1):c.3251G>C (p.Gly1084Ala)

Gene: COL5A1 (collagen type V alpha 1 chain; plus strand). Cytogenetic location: 9q34.3.
Variant type: single nucleotide variant.
Coding change: c.3251G>C on transcript NM_000093.5 (MANE Select); coding-DNA position 3251, G replaced by C.
Protein change: p.Gly1084Ala; replaces glycine 1084 with alanine.
Molecular consequence: missense variant.
Genome position (GRCh38, 1-based): chr9:134,805,207, G>C. VCF-style: chr9-134805207-G-C. GRCh37 (hg19) VCF-style: chr9-137697053-G-C.
Other names: c.3251G>C, p.Gly1084Ala (NM_001278074.1); short protein forms G1084A.
Identifiers: ClinVar variation 4746351 (VCV004746351.1).